The following is an entry in ClinVar:

NM_003500.4(ACOX2):c.1939G>A (p.Glu647Lys)

Gene: ACOX2 (acyl-CoA oxidase 2; minus strand). Cytogenetic location: 3p14.3.
Variant type: single nucleotide variant.
Coding change: c.1939G>A on transcript NM_003500.4 (MANE Select); coding-DNA position 1939, G replaced by A.
Protein change: p.Glu647Lys; replaces glutamic acid 647 with lysine.
Molecular consequence: missense variant.
Genome position (GRCh38, 1-based): chr3:58,508,937, C>T on the plus strand (G>A on the coding strand, the complement: ACOX2 is on the minus strand). VCF-style: chr3-58508937-C-T. GRCh37 (hg19) VCF-style: chr3-58494664-C-T.
Other names: short protein forms E647K.
Identifiers: ClinVar variation 4980979 (VCV004980979.1).

ClinVar aggregate classification (germline): Uncertain significance (1 of 4 stars; one submission).

Conditions:
ACOX2-related disorder. Also called: ACOX2-related condition.

gnomAD v4.1: 119 of 1,614,160 alleles (0.0074%); highest among the groups gnomAD compares: Admixed American, 0.04%; no homozygotes.

Submission:

PreventionGenetics, part of Exact Sciences
Classification: Uncertain significance for ACOX2-related condition. Last evaluated: 2025-12-16. Review status: criteria provided, single submitter. Criteria: ACMG Guidelines, 2015. Collection method: clinical testing. Allele origin: germline.
Comment: The ACOX2 c.1939G>A variant is predicted to result in the amino acid substitution p.Glu647Lys. To our knowledge, this variant has not been reported in the literature. This variant is reported in 0.017% of alleles in individuals of Latino descent in gnomAD. At this time, the clinical significance of this variant is uncertain due to the absence of conclusive functional and genetic evidence.